The following is an entry in ClinVar:

ClinVar aggregate classification (germline): Likely pathogenic (1 of 4 stars; one submission).

Conditions:
Neurodevelopmental disorder with hypotonia, dysmorphic facies, and skin abnormalities (NEDHFS). Identifiers: MedGen C5774285, MONDO:0859347, OMIM 620191.

Submission:

First Genomix Gene Laboratory, Genetic Diagnostics Department
Classification: Likely pathogenic for Neurodevelopmental disorder with hypotonia, dysmorphic facies, and skin abnormalities. Last evaluated: 2025-03-19. Review status: criteria provided, single submitter. Criteria: ACMG Guidelines, 2015. Collection method: clinical testing. Allele origin: germline. Inheritance: Autosomal recessive inheritance. Affected: no. Observed: 1 variant allele.

NM_173582.6(PGM2L1):c.1189del (p.Ile397fs)

Gene: PGM2L1 (phosphoglucomutase 2 like 1; minus strand). Cytogenetic location: 11q13.4.
Variant type: Deletion.
Coding change: c.1189del on transcript NM_173582.6 (MANE Select); coding-DNA position 1189, one base deleted (A; older notation c.1189delA).
Protein change: p.Ile397fs; shifts the reading frame from isoleucine 397.
Molecular consequence: frameshift variant.
Genome position (GRCh38, 1-based): chr11:74,345,498, T deleted on the plus strand (A on the coding strand, the reverse complement: PGM2L1 is on the minus strand); the first of 2 consecutive T bases (chr11:74,345,498-74,345,499); deleting either gives the same sequence. VCF-style (leftmost placement, unchanged base first): chr11-74345497-AT-A. GRCh37 (hg19) VCF-style: chr11-74056542-AT-A.
Other names: c.1189delA (NM_173582.6); short protein forms I397fs.
Identifiers: ClinVar variation 4845763 (VCV004845763.1).